The following is an entry in ClinVar:

NM_000179.3(MSH6):c.3802-13_3802-11dup

Gene: MSH6 (mutS homolog 6; plus strand). Cytogenetic location: 2p16.3.
Variant type: Duplication.
Coding change: c.3802-13_3802-11dup on transcript NM_000179.3 (MANE Select); 13 bases into the intron before coding-DNA position 3802 through 11 bases into the intron before coding-DNA position 3802, 3 bases duplicated (TTT; older notation c.3802-13_3802-11dupTTT).
Molecular consequence: intron variant.
Genome position (GRCh38, 1-based): chr2:47,806,439-47,806,441, TTT duplicated; duplicating any 3 consecutive bases within chr2:47,806,437-47,806,441 gives the same sequence; the c. name uses the placement nearest the transcript's 3' end. VCF-style (leftmost placement, unchanged base first): chr2-47806436-A-ATTT. GRCh37 (hg19) VCF-style: chr2-48033575-A-ATTT.
Other names: c.2896-13_2896-11dup (NM_001281493.2, NM_001281494.2); c.3412-13_3412-11dup (NM_001281492.2).
Identifiers: ClinVar variation 1614281 (VCV001614281.9), dbSNP rs1159569330, ClinGen allele CA2573134781.
Genomic context (GRCh38, chr2:47,806,436, plus strand): 5'-TTTTCCACAAATTCGGTTTTTTGAGAGGGCACTTCTCTTGCTAGCACATGTATCGCTAAT[A>ATTT]TTTTTCTTTCTTAAGGCATGCATGGTAGAAAATGAATGTGAAGACCCCAGCCAGGAGACT-3'

ClinVar aggregate classification (germline): Likely benign. Review status: criteria provided, multiple submitters, no conflicts (2 of 4 stars). 2 submissions from 2 submitters: Likely benign (2). Last evaluated 2025-01-08.

Conditions:
Hereditary nonpolyposis colorectal neoplasms. Identifiers: MedGen C0009405, MeSH D003123.
Lynch syndrome 5 (LYNCH5). Also called: Hereditary non-polyposis colorectal cancer, type 5; Colorectal cancer, hereditary nonpolyposis, type 5. Identifiers: Orphanet 144, MedGen C1833477, MONDO:0013710, OMIM 614350. Disease mechanism: loss of function.

Submissions (2):

Myriad Genetics, Inc.
Classification: Likely benign for Lynch syndrome 5. Last evaluated: 2025-01-08. Review status: criteria provided, single submitter. Criteria: Myriad Autosomal Dominant, Autosomal Recessive and X-Linked Classification Criteria (2023). Collection method: clinical testing. Allele origin: unknown.
Comment: This variant is considered likely benign. This variant is intronic and is not expected to impact mRNA splicing.

Labcorp Genetics (formerly Invitae), Labcorp
Classification: Likely benign for Hereditary nonpolyposis colorectal neoplasms. Last evaluated: 2021-11-01. Review status: criteria provided, single submitter. Criteria: Invitae Variant Classification Sherloc (09022015). Collection method: clinical testing. Allele origin: germline.